The following is an entry in ClinVar:

ClinVar aggregate classification (germline): Conflicting classifications of pathogenicity. Review status: criteria provided, conflicting classifications (1 of 4 stars). 6 submissions from 6 submitters: Uncertain significance (5); Likely benign (1). Last evaluated 2025-09-23.

Conditions:
Hypokalemic periodic paralysis, type 1. Also called: Hypokalemic Periodic Paralysis Type 1 (AD); HypoPP. Identifiers: Orphanet 681, MedGen C3714580, MONDO:0042979, OMIM 170400.
Malignant hyperthermia, susceptibility to, 5 (MHS5). Also called: CACNA1S-Related Malignant Hyperthermia Susceptibility. Identifiers: Orphanet 423, MedGen C1866077, MONDO:0011163, OMIM 601887.

Allele frequency attached by ClinVar (database versions not stated): TOPMed below 0.00001; gnomAD exomes 0.00001.

Submissions (6):

Women's Health and Genetics/Laboratory Corporation of America, LabCorp
Classification: Uncertain significance. Last evaluated: 2025-09-23. Review status: criteria provided, single submitter. Criteria: LabCorp Variant Classification Summary - May 2015. Collection method: clinical testing. Allele origin: germline.
Comment: Variant summary: CACNA1S c.3071T>C (p.Ile1024Thr) results in a non-conservative amino acid change in the encoded protein sequence. Algorithms developed to predict the effect of missense changes on protein structure and function all suggest that this variant is likely to be disruptive. The variant was absent in 251190 control chromosomes. The available data on variant occurrences in the general population are insufficient to allow any conclusion about variant significance. To our knowledge, no occurrence of c.3071T>C in individuals affected with CACNA1S-related conditions and no experimental evidence demonstrating its impact on protein function have been reported. ClinVar contains an entry for this variant (Variation ID: 801604). Based on the evidence outlined above, the variant was classified as uncertain significance.

GeneDx
Classification: Uncertain significance. Last evaluated: 2024-12-26. Review status: criteria provided, single submitter. Criteria: GeneDx Variant Classification Process June 2021. Collection method: clinical testing. Allele origin: germline. Affected: yes.
Comment: Not observed at significant frequency in large population cohorts (gnomAD); In silico analysis supports that this missense variant has a deleterious effect on protein structure/function; Has not been previously published as pathogenic or benign to our knowledge

All of Us Research Program, National Institutes of Health
Classification: Uncertain significance for Malignant hyperthermia, susceptibility to, 5. Last evaluated: 2024-05-14. Review status: criteria provided, single submitter. Criteria: ACMG Guidelines, 2015. Collection method: clinical testing. Allele origin: germline. Inheritance: Autosomal dominant inheritance. Observed: 4 variant alleles, 4 heterozygotes.
Comment: This missense variant replaces isoleucine with threonine at codon 1024 of the CACNA1S protein. Computational prediction suggests that this variant may have deleterious impact on protein structure and function (internally defined REVEL score threshold >= 0.7, PMID: 27666373). To our knowledge, functional studies have not been reported for this variant. This variant has not been reported in individuals affected with CACNA1S-related disorders in the literature. This variant has not been identified in the general population by the Genome Aggregation Database (gnomAD). The available evidence is insufficient to determine the role of this variant in disease conclusively. Therefore, this variant is classified as a Variant of Uncertain Significance.

This study involves interpretation of variants in research participants for the purpose of population health screening. Participant phenotype was not available at the time of variant classification. Additional details can be found in publication PMID: 35346344, PMCID: PMC8962531

Labcorp Genetics (formerly Invitae), Labcorp
Classification: Uncertain significance for Hypokalemic periodic paralysis, type 1; Malignant hyperthermia, susceptibility to, 5. Last evaluated: 2023-12-23. Review status: criteria provided, single submitter. Criteria: Invitae Variant Classification Sherloc (09022015). Collection method: clinical testing. Allele origin: germline.
Comment: This sequence change replaces isoleucine, which is neutral and non-polar, with threonine, which is neutral and polar, at codon 1024 of the CACNA1S protein (p.Ile1024Thr). This variant is not present in population databases (gnomAD no frequency). This variant has not been reported in the literature in individuals affected with CACNA1S-related conditions. ClinVar contains an entry for this variant (Variation ID: 801604). Advanced modeling of protein sequence and biophysical properties (such as structural, functional, and spatial information, amino acid conservation, physicochemical variation, residue mobility, and thermodynamic stability) has been performed at Invitae for this missense variant, however the output from this modeling did not meet the statistical confidence thresholds required to predict the impact of this variant on CACNA1S protein function. In summary, the available evidence is currently insufficient to determine the role of this variant in disease. Therefore, it has been classified as a Variant of Uncertain Significance.

Color Diagnostics, LLC DBA Color Health
Classification: Uncertain significance for Malignant hyperthermia, susceptibility to, 5. Last evaluated: 2023-11-08. Review status: criteria provided, single submitter. Criteria: ACMG Guidelines, 2015. Collection method: clinical testing. Allele origin: germline.
Comment: This missense variant replaces isoleucine with threonine at codon 1024 of the CACNA1S protein. Computational prediction suggests that this variant may have deleterious impact on protein structure and function. To our knowledge, functional studies have not been reported for this variant. This variant has not been reported in individuals affected with CACNA1S-related disorders in the literature. This variant has not been identified in the general population by the Genome Aggregation Database (gnomAD). The available evidence is insufficient to determine the role of this variant in disease conclusively. Therefore, this variant is classified as a Variant of Uncertain Significance.

Mendelics
Classification: Likely benign for Hypokalemic periodic paralysis, type 1. Last evaluated: 2019-05-28. Review status: criteria provided, single submitter. Criteria: Mendelics Assertion Criteria 2017. Collection method: clinical testing. Allele origin: unknown.

NM_000069.3(CACNA1S):c.3071T>C (p.Ile1024Thr)

Gene: CACNA1S (calcium voltage-gated channel subunit alpha1 S; minus strand). Cytogenetic location: 1q32.1.
Variant type: single nucleotide variant.
Coding change: c.3071T>C on transcript NM_000069.3 (MANE Select); coding-DNA position 3071, T replaced by C.
Protein change: p.Ile1024Thr; replaces isoleucine 1024 with threonine.
Molecular consequence: missense variant.
Genome position (GRCh38, 1-based): chr1:201,061,451, A>G on the plus strand (T>C on the coding strand, the complement: CACNA1S is on the minus strand). VCF-style: chr1-201061451-A-G. GRCh37 (hg19) VCF-style: chr1-201030579-A-G.
Other names: c.3071T>C (NM_000069.2); short protein forms I1024T.
Identifiers: ClinVar variation 801604 (VCV000801604.11), dbSNP rs978624647, ClinGen allele CA36007458.